The following is an entry in ClinVar:

ClinVar aggregate classification (germline): Pathogenic (1 of 4 stars; one submission).

Submission:

Labcorp Genetics (formerly Invitae), Labcorp
Classification: Pathogenic. Last evaluated: 2022-09-01. Review status: criteria provided, single submitter. Criteria: Invitae Variant Classification Sherloc (09022015). Collection method: clinical testing. Allele origin: germline.
Comment: This sequence change creates a premature translational stop signal (p.Ser140*) in the PLK4 gene. It is expected to result in an absent or disrupted protein product. Loss-of-function variants in PLK4 are known to be pathogenic (PMID: 25320347, 30842647). This variant is not present in population databases (gnomAD no frequency). For these reasons, this variant has been classified as Pathogenic. This variant has not been reported in the literature in individuals affected with PLK4-related conditions.

Literature cited by the submitters: PubMed 25320347; PubMed 30842647.

NM_014264.5(PLK4):c.419_420del (p.Leu139_Ser140insTer)

Gene: PLK4 (polo like kinase 4; plus strand). Cytogenetic location: 4q28.1.
Variant type: Deletion.
Coding change: c.419_420del on transcript NM_014264.5 (MANE Select); coding-DNA positions 419 to 420, 2 bases deleted (CT; older notation c.419_420delCT).
Protein change: p.Leu139_Ser140insTer.
Molecular consequence: nonsense.
Genome position (GRCh38, 1-based): chr4:127,885,789-127,885,790, CT deleted; deleting any 2 consecutive bases within chr4:127,885,788-127,885,790 gives the same sequence; the c. name uses the placement nearest the transcript's 3' end. VCF-style (leftmost placement, unchanged base first): chr4-127885787-TTC-T. GRCh37 (hg19) VCF-style: chr4-128806942-TTC-T.
Other names: c.323_324del, p.Leu107_Ser108insTer (NM_001190799.2); c.296_297del, p.Leu98_Ser99insTer (NM_001190801.2).
Identifiers: ClinVar variation 2028466 (VCV002028466.4), dbSNP rs2546012087, ClinGen allele CA2580071497.